The following is an entry in ClinVar:

NM_003638.3(ITGA8):c.2430G>A (p.Glu810=)

Gene: ITGA8 (integrin subunit alpha 8; minus strand). Cytogenetic location: 10p13.
Variant type: single nucleotide variant.
Coding change: c.2430G>A on transcript NM_003638.3 (MANE Select); coding-DNA position 2430, G replaced by A.
Protein change: p.Glu810=; no amino-acid change (glutamic acid 810 retained).
Molecular consequence: synonymous variant.
Genome position (GRCh38, 1-based): chr10:15,575,537, C>T on the plus strand (G>A on the coding strand, the complement: ITGA8 is on the minus strand). VCF-style: chr10-15575537-C-T. GRCh37 (hg19) VCF-style: chr10-15617536-C-T.
Other names: c.2385G>A, p.Glu795= (NM_001291494.2).
Identifiers: ClinVar variation 3029022 (VCV003029022.3), dbSNP rs756449292, ClinGen allele CA5419851.
Genomic context (GRCh38, chr10:15,575,537, plus strand): 5'-GACAATGGCTACCTCATAAATATGTTCCACCAATGGTCCAACCTCCTCCTCTTTGTGGGG[C>T]TCCTCTTCTGGTTCCCAGTTATGAATGGGCAGAACAATCTGCGGAGGGTGTGACACTCTG-3'
Protein context (NP_003629.2, residues 800-820): LPIHNWEPEE[Glu810=]PHKEEEVGPL

ClinVar aggregate classification (germline): Likely benign. Review status: criteria provided, single submitter (1 of 4 stars). 2 submissions from 2 submitters: Likely benign (1). 1 of the submissions does not count toward it. Last evaluated 2025-06-12.

Conditions:
ITGA8-related disorder. Also called: ITGA8-related condition.

Allele frequency attached by ClinVar (database versions not stated): gnomAD exomes below 0.00001; ExAC 0.00001; gnomAD 0.00005; TOPMed 0.00006.
gnomAD v4.1: 11 of 1,613,968 alleles (0.00068%); highest among the groups gnomAD compares: African/African-American, 0.015%; no homozygotes.

Submissions (2):

Labcorp Genetics (formerly Invitae), Labcorp
Classification: Likely benign. Last evaluated: 2025-06-12. Review status: criteria provided, single submitter. Criteria: Invitae Variant Classification Sherloc (09022015). Collection method: clinical testing. Allele origin: germline.

PreventionGenetics, part of Exact Sciences
Classification: Likely benign for ITGA8-related condition. Last evaluated: 2022-11-17. Review status: no assertion criteria provided. Collection method: clinical testing. Allele origin: germline. Not counted in ClinVar's aggregate classification.
Comment: This variant is classified as likely benign based on ACMG/AMP sequence variant interpretation guidelines (Richards et al. 2015 PMID: 25741868, with internal and published modifications).